The following is an entry in ClinVar:

ClinVar aggregate classification (germline): Pathogenic. Review status: criteria provided, multiple submitters, no conflicts (2 of 4 stars). 3 submissions from 3 submitters: Pathogenic (2). 1 of the submissions does not count toward it. Last evaluated 2025-05-22.

Conditions:
Steel syndrome (STLS). Identifiers: Orphanet 438117, MedGen C3554594, MONDO:0014061, OMIM 615155.

gnomAD v4.1: 2 of 1,613,976 alleles (0.00012%); highest among the groups gnomAD compares: South Asian, 0.0022%; no homozygotes.

Submissions (3):

Labcorp Genetics (formerly Invitae), Labcorp
Classification: Pathogenic. Last evaluated: 2025-05-22. Review status: criteria provided, single submitter. Criteria: Invitae Variant Classification Sherloc (09022015). Collection method: clinical testing. Allele origin: germline.
Comment: This sequence change creates a premature translational stop signal (p.Arg707*) in the COL27A1 gene. It is expected to result in an absent or disrupted protein product. Loss-of-function variants in COL27A1 are known to be pathogenic (PMID: 24986830, 28276056). This variant is not present in population databases (gnomAD no frequency). This premature translational stop signal has been observed in individual(s) with Steel syndrome (PMID: 28276056). ClinVar contains an entry for this variant (Variation ID: 559387). For these reasons, this variant has been classified as Pathogenic.

Genomic Medicine Center of Excellence, King Faisal Specialist Hospital and Research Centre
Classification: Pathogenic for Steel syndrome. Last evaluated: 2024-03-25. Review status: criteria provided, single submitter. Criteria: ACMG Guidelines, 2015. Collection method: clinical testing. Allele origin: germline.

OMIM
Classification: Pathogenic for STEEL SYNDROME. Last evaluated: 2018-08-02. Review status: no assertion criteria provided. Collection method: literature only. Allele origin: germline. Not counted in ClinVar's aggregate classification.

Literature cited by the submitters: PubMed 24986830 (cited by Labcorp Genetics (formerly Invitae), Labcorp); PubMed 28276056 (cited by Labcorp Genetics (formerly Invitae), Labcorp and OMIM).

NM_032888.4(COL27A1):c.2119C>T (p.Arg707Ter)

Gene: COL27A1 (collagen type XXVII alpha 1 chain; plus strand). Cytogenetic location: 9q32.
Variant type: single nucleotide variant.
Coding change: c.2119C>T on transcript NM_032888.4 (MANE Select); coding-DNA position 2119, C replaced by T.
Protein change: p.Arg707Ter; replaces arginine 707 with a stop codon.
Molecular consequence: nonsense.
Genome position (GRCh38, 1-based): chr9:114,196,007, C>T. VCF-style: chr9-114196007-C-T. GRCh37 (hg19) VCF-style: chr9-116958287-C-T.
Other names: short protein forms R707*.
Identifiers: ClinVar variation 559387 (VCV000559387.7), dbSNP rs1401322428, ClinGen allele CA374599299.